The following is an entry in ClinVar:

ClinVar aggregate classification (germline): Likely benign. Review status: criteria provided, multiple submitters, no conflicts (2 of 4 stars). 2 submissions from 2 submitters: Likely benign (2). Last evaluated 2024-10-05.

Conditions:
RYR1-related disorder. Also called: RYR1-related disorders; RYR1-related condition. Identifiers: MedGen CN239331.
Malignant hyperthermia, susceptibility to, 1 (MHS1). Also called: Anesthesia related hyperthermia; Malignant hyperpyrexia; Fulminating hyperpyrexia; Pharmacogenic myopathy; RYR1-Related Malignant Hyperthermia Susceptibility; Malignant hyperthermia suceptibility 1. Identifiers: Orphanet 423, MedGen C2930980, MONDO:0007783, OMIM 145600.

Allele frequency attached by ClinVar (database versions not stated): gnomAD exomes below 0.00001.
gnomAD v4.1: 2 of 1,613,652 alleles (0.00012%); highest among the groups gnomAD compares: South Asian, 0.0011%; no homozygotes.

Submissions (2):

Labcorp Genetics (formerly Invitae), Labcorp
Classification: Likely benign for RYR1-related disorder. Last evaluated: 2024-10-05. Review status: criteria provided, single submitter. Criteria: Invitae Variant Classification Sherloc (09022015). Collection method: clinical testing. Allele origin: germline.

All of Us Research Program, National Institutes of Health
Classification: Likely benign for Malignant hyperthermia, susceptibility to, 1. Last evaluated: 2023-04-03. Review status: criteria provided, single submitter. Criteria: ACMG Guidelines, 2015. Collection method: clinical testing. Allele origin: germline. Inheritance: Autosomal dominant inheritance. Observed: 1 variant allele, 1 heterozygote.
Comment: This study involves interpretation of variants in research participants for the purpose of population health screening. Participant phenotype was not available at the time of variant classification. Additional details can be found in publication PMID: 35346344, PMCID: PMC8962531

NM_000540.3(RYR1):c.5604T>C (p.Pro1868=)

Gene: RYR1 (ryanodine receptor 1; plus strand). Cytogenetic location: 19q13.2.
Variant type: single nucleotide variant.
Coding change: c.5604T>C on transcript NM_000540.3 (MANE Select); coding-DNA position 5604, T replaced by C.
Protein change: p.Pro1868=; no amino-acid change (proline 1868 retained).
Molecular consequence: synonymous variant.
Genome position (GRCh38, 1-based): chr19:38,489,233, T>C. VCF-style: chr19-38489233-T-C. GRCh37 (hg19) VCF-style: chr19-38979873-T-C.
Other names: c.5604T>C, p.Pro1868= (NM_001042723.2).
Identifiers: ClinVar variation 2896430 (VCV002896430.4), dbSNP rs2514245436, ClinGen allele CA507353628.